The following is an entry in ClinVar:

NM_017654.4(SAMD9):c.169A>C (p.Met57Leu)

Gene: SAMD9 (sterile alpha motif domain containing 9; minus strand). Cytogenetic location: 7q21.2.
Variant type: single nucleotide variant.
Coding change: c.169A>C on transcript NM_017654.4 (MANE Select); coding-DNA position 169, A replaced by C.
Protein change: p.Met57Leu; replaces methionine 57 with leucine.
Molecular consequence: missense variant.
Genome position (GRCh38, 1-based): chr7:93,105,929, T>G on the plus strand (A>C on the coding strand, the complement: SAMD9 is on the minus strand). VCF-style: chr7-93105929-T-G. GRCh37 (hg19) VCF-style: chr7-92735242-T-G.
Other names: c.169A>C, p.Met57Leu (NM_001193307.2); short protein forms M57L.
Identifiers: ClinVar variation 4824714 (VCV004824714.1).

ClinVar aggregate classification (germline): Uncertain significance (1 of 4 stars; one submission).

Conditions:
Inborn genetic diseases. Identifiers: MedGen C0950123, MeSH D030342.

Submission:

Ambry Genetics
Classification: Uncertain significance for Inborn genetic diseases. Last evaluated: 2026-02-21. Review status: criteria provided, single submitter. Criteria: Ambry Variant Classification Scheme 2023. Collection method: clinical testing. Allele origin: germline.
Comment: The p.M57L variant (also known as c.169A>C), located in coding exon 1 of the SAMD9 gene, results from an A to C substitution at nucleotide position 169. The methionine at codon 57 is replaced by leucine, an amino acid with highly similar properties. This amino acid position is conserved. In addition, this alteration is predicted to be tolerated by in silico analysis. Based on the available evidence, the clinical significance of this variant remains unclear.